The following is an entry in ClinVar:

NM_025152.3(NUBPL):c.855T>C (p.Asp285=)

Gene: NUBPL (NUBP iron-sulfur cluster assembly factor, mitochondrial; plus strand). Cytogenetic location: 14q12.
Variant type: single nucleotide variant.
Coding change: c.855T>C on transcript NM_025152.3 (MANE Select); coding-DNA position 855, T replaced by C.
Protein change: p.Asp285=; no amino-acid change (aspartic acid 285 retained).
Molecular consequence: synonymous variant. On other transcripts: non-coding transcript variant (1).
Genome position (GRCh38, 1-based): chr14:31,850,159, T>C. VCF-style: chr14-31850159-T-C. GRCh37 (hg19) VCF-style: chr14-32319365-T-C.
Other names: c.567T>C, p.Asp189= (NM_001201573.2); c.306T>C, p.Asp102= (NM_001201574.2).
Identifiers: ClinVar variation 4085893 (VCV004085893.8).
Genomic context (GRCh38, chr14:31,850,159, plus strand): 5'-TGTCTGCTGGGCTCTTTTAGGAGACATTCCCTTACACCTTAATATAAGGGAAGCTTCAGA[T>C]ACAGGCCAGCCAATTGTGTTTTCACAGCCTGAAAGTGATGAGGTAAGTTCCATTTTTGGA-3'
Protein context (NP_079428.2, residues 275-295): PLHLNIREAS[Asp285=]TGQPIVFSQP

ClinVar aggregate classification (germline): Likely benign (1 of 4 stars; one submission).

Submission:

CeGaT Center for Human Genetics Tuebingen
Classification: Likely benign. Last evaluated: 2025-08-01. Review status: criteria provided, single submitter. Criteria: CeGaT Center For Human Genetics Tuebingen Variant Classification Criteria Version 2. Collection method: clinical testing. Allele origin: germline. Affected: yes. Observed: 1 variant allele.
Comment: NUBPL: PM2:Supporting, BP4, BP7